The following is an entry in ClinVar:

NM_000558.5(HBA1):c.328C>T (p.Leu110=)

Genes: HBA1 (hemoglobin subunit alpha 1; plus strand), LOC106804613 (hemoglobin subunit alpha 1 recombination region; plus strand). Cytogenetic location: 16p13.3.
Variant type: single nucleotide variant.
Coding change: c.328C>T on transcript NM_000558.5 (MANE Select); coding-DNA position 328, C replaced by T.
Protein change: p.Leu110=; no amino-acid change (leucine 110 retained).
Molecular consequence: synonymous variant.
Genome position (GRCh38, 1-based): chr16:177,310, C>T. VCF-style: chr16-177310-C-T. GRCh37 (hg19) VCF-style: chr16-227309-C-T.
Identifiers: ClinVar variation 4076507 (VCV004076507.1).

ClinVar aggregate classification (germline): Likely pathogenic (0 of 4 stars; one submission).

Conditions:
alpha Thalassemia. Also called: Alpha thalassemia spectrum. Identifiers: Orphanet 846, MedGen C0002312, MONDO:0011399, OMIM 604131.

Submission:

Precision Medicine Lab Center, Yangjiang People's Hospital
Classification: Likely pathogenic for alpha Thalassemia. Last evaluated: 2023-10-19. Review status: no assertion criteria provided. Collection method: clinical testing. Allele origin: germline. Affected: yes. Observed: 1 variant allele.
Comment: The HBA1:c.328C>T mutation refers to the substitution of C with T at the 328th base in the coding sequence of the α1 gene. This results in the corresponding encoded amino acid changing from threonine to isoleucine. This variant is not documented in population databases of normal individuals and has not been previously reported in the literature. Based on the above evidence, this variant is classified as likely pathogenic